The following is an entry in ClinVar:

NM_003070.5(SMARCA2):c.3283C>T (p.Arg1095Cys)

Gene: SMARCA2 (SWI/SNF related BAF chromatin remodeling complex subunit ATPase 2; plus strand). Cytogenetic location: 9p24.3.
Variant type: single nucleotide variant.
Coding change: c.3283C>T on transcript NM_003070.5 (MANE Select); coding-DNA position 3283, C replaced by T.
Protein change: p.Arg1095Cys; replaces arginine 1095 with cysteine.
Molecular consequence: missense variant.
Genome position (GRCh38, 1-based): chr9:2,104,160, C>T. VCF-style: chr9-2104160-C-T. GRCh37 (hg19) VCF-style: chr9-2104160-C-T.
Other names: c.3283C>T, p.Arg1095Cys (NM_001289396.2, NM_139045.4); c.3109C>T, p.Arg1037Cys (NM_001289397.2); short protein forms R1037C, R1095C.
Identifiers: ClinVar variation 2571756 (VCV002571756.3), dbSNP rs2537379809, ClinGen allele CA372787506.

ClinVar aggregate classification (germline): Uncertain significance. Review status: criteria provided, multiple submitters, no conflicts (2 of 4 stars). 2 submissions from 2 submitters: Uncertain significance (2). Last evaluated 2026-01-27.

Conditions:
Nicolaides-Baraitser syndrome (NCBRS). Also called: Intellectual disability-sparse hair-brachydactyly syndrome; SMARCA2-Related Nicolaides-Baraitser Syndrome. Identifiers: Orphanet 3051, MedGen C1303073, MONDO:0011053, OMIM 601358.

Allele frequency attached by ClinVar (database versions not stated): gnomAD exomes below 0.00001.
gnomAD v4.1: 1 of 1,613,682 alleles (0.000062%); highest among the groups gnomAD compares: Non-Finnish European, 0.000085%; no homozygotes.

Submissions (2):

3billion
Classification: Uncertain significance for Nicolaides-Baraitser syndrome. Last evaluated: 2026-01-27. Review status: criteria provided, single submitter. Criteria: ACMG Guidelines, 2015. Collection method: clinical testing. Allele origin: germline. Affected: yes.
Comment: The variant is observed at an extremely low frequency in the gnomAD v4.1.0 dataset (total allele frequency: <0.001%). Predicted Consequence/Location: Missense variant. Missense changes are a common disease-causing mechanism. In silico tool predictions suggest damaging effect of the variant on gene or gene product [REVEL: 0.93 (>=0.6, sensitivity 0.68 and specificity 0.92); 3Cnet: 0.94 (> 0.75, sensitivity 0.96 and precision 0.92)]. The same nucleotide change resulting in the same amino acid change has been previously reported to be associated with SMARCA2-related disorder (ClinVar ID: VCV002571756 /3billion dataset). However, the evidence of pathogenicity is insufficient at this time. Therefore, this variant is classified as VUS according to the recommendation of ACMG/AMP guideline.

GeneDx
Classification: Uncertain significance. Last evaluated: 2023-07-10. Review status: criteria provided, single submitter. Criteria: GeneDx Variant Classification Process June 2021. Collection method: clinical testing. Allele origin: germline. Affected: yes.
Comment: Not observed at significant frequency in large population cohorts (gnomAD); In silico analysis supports that this missense variant has a deleterious effect on protein structure/function; Has not been previously published as pathogenic or benign to our knowledge